The following is an entry in ClinVar:

ClinVar aggregate classification (germline): Uncertain significance (1 of 4 stars; one submission).

gnomAD v4.1: 21 of 1,613,824 alleles (0.0013%); highest among the groups gnomAD compares: Non-Finnish European, 0.0018%; no homozygotes.

Submission:

Women's Health and Genetics/Laboratory Corporation of America, LabCorp
Classification: Uncertain significance. Last evaluated: 2025-06-02. Review status: criteria provided, single submitter. Criteria: LabCorp Variant Classification Summary - May 2015. Collection method: clinical testing. Allele origin: germline.
Comment: Variant summary: HMCN1 c.12214A>G (p.Lys4072Glu) results in a conservative amino acid change in the encoded protein sequence. Algorithms developed to predict the effect of missense changes on protein structure and function are either unavailable or do not agree on the potential impact of this missense change. The variant allele was found at a frequency of 4e-06 in 251138 control chromosomes. The available data on variant occurrences in the general population are insufficient to allow any conclusion about variant significance. To our knowledge, no occurrence of c.12214A>G in individuals affected with Age Related Macular Degeneration 1 and no experimental evidence demonstrating its impact on protein function have been reported. No submitters have cited clinical-significance assessments for this variant to ClinVar. Based on the evidence outlined above, the variant was classified as uncertain significance.

NM_031935.3(HMCN1):c.12214A>G (p.Lys4072Glu)

Gene: HMCN1 (hemicentin 1; plus strand). Cytogenetic location: 1q31.1.
Variant type: single nucleotide variant.
Coding change: c.12214A>G on transcript NM_031935.3 (MANE Select); coding-DNA position 12214, A replaced by G.
Protein change: p.Lys4072Glu; replaces lysine 4072 with glutamic acid.
Molecular consequence: missense variant.
Genome position (GRCh38, 1-based): chr1:186,120,130, A>G. VCF-style: chr1-186120130-A-G. GRCh37 (hg19) VCF-style: chr1-186089262-A-G.
Other names: short protein forms K4072E.
Identifiers: ClinVar variation 3907451 (VCV003907451.1).